The following is an entry in ClinVar:

ClinVar aggregate classification (germline): Likely pathogenic. Review status: criteria provided, multiple submitters, no conflicts (2 of 4 stars). 4 submissions from 4 submitters: Likely pathogenic (3). 1 of the submissions does not count toward it. Last evaluated 2025-07-01.

Conditions:
Hereditary hyperinsulinism.
Leucine-induced hypoglycemia (LIH). Also called: LEUCINE-SENSITIVE HYPOGLYCEMIA OF INFANCY. Identifiers: MedGen C0271714, MONDO:0009415, OMIM 240800.
Diabetes mellitus, transient neonatal, 2 (TNDM2). Identifiers: Orphanet 99886, MedGen C1835887, MONDO:0012480, OMIM 610374. Disease mechanism: loss of function.
Diabetes mellitus, permanent neonatal 3. Also called: ABCC8-Related Permanent Neonatal Diabetes Mellitus. Identifiers: MedGen C5394303, MONDO:0030088, OMIM 618857.
Type 2 diabetes mellitus. Also called: Type II diabetes mellitus. Identifiers: MedGen C0011860, MeSH D003924, MONDO:0005148, OMIM 125853, HP:0005978.
Hyperinsulinemic hypoglycemia, familial, 1 (HHF1). Also called: Persistent hyperinsulinemic hypoglycemia of infancy; HYPERINSULINISM, FAMILIAL, WITH PANCREATIC NESIDIOBLASTOSIS; HYPOGLYCEMIA, HYPERINSULINEMIC, OF INFANCY; NESIDIOBLASTOSIS OF PANCREAS; Persistent Hyperinsulinemia Hypoglycemia of Infancy. Identifiers: Orphanet 276575, Orphanet 276598, MedGen C2931832, MONDO:0009734, OMIM 256450.
Maturity-onset diabetes of the young (MODY). Also called: Maturity onset diabetes mellitus in young. Identifiers: Orphanet 552, MedGen C0342276, MONDO:0018911, HP:0004904.

Allele frequency attached by ClinVar (database versions not stated): gnomAD 0.00001; TOPMed 0.00001; ExAC 0.00002; ESP Exome Variant Server 0.00008.
gnomAD v4.1: 7 of 1,612,506 alleles (0.00043%); highest among the groups gnomAD compares: East Asian, 0.0022%; no homozygotes.

Submissions (4):

Women's Health and Genetics/Laboratory Corporation of America, LabCorp
Classification: Likely pathogenic for Maturity-onset diabetes of the young. Last evaluated: 2025-07-01. Review status: criteria provided, single submitter. Criteria: LabCorp Variant Classification Summary - May 2015. Collection method: clinical testing. Allele origin: germline.
Comment: Variant summary: ABCC8 c.1819G>A (p.Val607Met) results in a conservative amino acid change in the encoded protein sequence. Algorithms developed to predict the effect of missense changes on protein structure and function are either unavailable or do not agree on the potential impact of this missense change. Consensus agreement among computation tools predict no significant impact on normal splicing. However, these predictions have yet to be confirmed by functional studies. The variant allele was found at a frequency of 8e-06 in 249884 control chromosomes. c.1819G>A has been observed in the heterozygous state in individuals affected with Neonatal Diabetes Mellitus and segregated with disease in at least one family and in the compound heterozygous state in at least one individual affected with early onset diabetes (Shima_2018, Hashimoto_2017, Rubio-Cabezas_2012) . These data indicate that the variant is likely to be associated with disease. To our knowledge, no experimental evidence demonstrating an impact on protein function has been reported. The following publications have been ascertained in the context of this evaluation (PMID: 27681997, 21981029, 30068891, 36504295). ClinVar contains an entry for this variant (Variation ID: 2443080). While this variant has been reported in the literature, the clinical significance of the variant for autosomal recessive ABCC8-related conditions could not be established. Based on the evidence outlined above, the variant was classified as likely pathogenic for autosomal dominant ABCC8-related conditions.

Natera, Inc.
Classification: Likely pathogenic for Hereditary hyperinsulinism. Last evaluated: 2024-05-30. Review status: criteria provided, single submitter. Criteria: Natera Variant Classification Schema (03/2026). Collection method: clinical testing. Allele origin: germline.
Comment: The c.1819G>A variant in ABCC8 is a missense variant predicted to cause substitution of valine to methionine at amino acid 607. This variant is rare in the general population with a frequency below the threshold expected for the associated phenotype(s). This variant has been observed in affected individual(s) with monoallelic occurrence (heterozygous/hemizygous) (PMID: 30068891, 34631896, 36504295, 27681997). This variant has been observed to segregate in affected family members (PMID: 30068891, 34631896). Computational prediction algorithms indicate this variant is likely to affect gene or protein function. Given the available evidence, this variant is classified as Likely Pathogenic.

Fulgent Genetics
Classification: Likely pathogenic for Type 2 diabetes mellitus; Leucine-induced hypoglycemia; Hyperinsulinemic hypoglycemia, familial, 1; Diabetes mellitus, transient neonatal, 2; Diabetes mellitus, permanent neonatal 3. Last evaluated: 2024-01-11. Review status: criteria provided, single submitter. Criteria: ACMG Guidelines, 2015. Collection method: clinical testing. Allele origin: germline.

Genetic Services Laboratory, University of Chicago
Classification: Likely pathogenic. Last evaluated: 2022-03-29. Review status: no assertion criteria provided. Collection method: clinical testing. Allele origin: germline. Affected: yes. Not counted in ClinVar's aggregate classification.
Comment: DNA sequence analysis of the ABCC8 gene demonstrated a sequence change, c.1819G>A, in exon 13 that results in an amino acid change, p.Val607Met. The p.Val607Met change affects a highly conserved amino acid residue located in a domain of the ABCC8 protein that is known to be functional. The p.Val607Met substitution appears to be deleterious damaging using several in-silico pathogenicity prediction tools (SIFT, PolyPhen2, REVEL). This sequence change has been described in the gnomAD database in two individuals which corresponds to a population frequency of 0.00080% (dbSNP rs377405677). The p.Val607Met amino acid change occurs in a region of the ABCC8 gene where other missense sequence changes have been described in individuals with ABCC8-related disorders (PMID: 21968111, 20215776, 27188453). This sequence change is the likely cause of this individual's phenotype, however functional studies have not been performed to prove this conclusively.

Literature cited by the submitters: PubMed 36504295 (cited by Women's Health and Genetics/Laboratory Corporation of America, LabCorp and Natera, Inc.); PubMed 27681997 (cited by Women's Health and Genetics/Laboratory Corporation of America, LabCorp and Natera, Inc.); PubMed 21981029 (cited by Women's Health and Genetics/Laboratory Corporation of America, LabCorp); PubMed 30068891 (cited by Women's Health and Genetics/Laboratory Corporation of America, LabCorp and Natera, Inc.); PubMed 34631896 (cited by Natera, Inc.).

NM_000352.6(ABCC8):c.1819G>A (p.Val607Met)

Gene: ABCC8 (ATP binding cassette subfamily C member 8; minus strand). Cytogenetic location: 11p15.1.
Variant type: single nucleotide variant.
Coding change: c.1819G>A on transcript NM_000352.6 (MANE Select); coding-DNA position 1819, G replaced by A.
Protein change: p.Val607Met; replaces valine 607 with methionine.
Molecular consequence: missense variant. On other transcripts: non-coding transcript variant (1).
Genome position (GRCh38, 1-based): chr11:17,428,669, C>T on the plus strand (G>A on the coding strand, the complement: ABCC8 is on the minus strand). VCF-style: chr11-17428669-C-T. GRCh37 (hg19) VCF-style: chr11-17450216-C-T.
Other names: c.1819G>A, p.Val607Met (NM_001287174.3, NM_001351295.2); c.1816G>A, p.Val606Met (NM_001351296.2, NM_001351297.2); short protein forms V606M, V607M.
Identifiers: ClinVar variation 2443080 (VCV002443080.6), dbSNP rs377405677, ClinGen allele CA5903419.
Genomic context (GRCh38, chr11:17,428,669, plus strand): 5'-GGGGGGCACACTGCTCCTCACGGATCTCTGCACTGGACAGGAACTCGCTTAGCTTTTGCA[C>T]GCTGCTCGGGAAGCACAGAGACACCCCTCACCCCTGCCAGGGGCAGAGGGGAGGGGAGAG-3'
Protein context (NP_000343.2, residues 597-617): VRSTVKALVS[Val607Met]QKLSEFLSSA